The following is an entry in ClinVar:

ClinVar aggregate classification (germline): Likely benign. Review status: criteria provided, single submitter (1 of 4 stars). 2 submissions from 2 submitters: Likely benign (1). 1 of the submissions does not count toward it. Last evaluated 2024-10-02.

Conditions:
CEP120-related disorder. Also called: CEP120-related condition; CEP120-Related Disorders.

Submissions (2):

Blueprint Genetics
Classification: Likely benign. Last evaluated: 2024-10-02. Review status: criteria provided, single submitter. Criteria: ACMG Guidelines, 2015. Collection method: clinical testing. Allele origin: germline.

PreventionGenetics, part of Exact Sciences
Classification: Likely benign for CEP120-related condition. Last evaluated: 2019-10-28. Review status: no assertion criteria provided. Collection method: clinical testing. Allele origin: germline. Not counted in ClinVar's aggregate classification.
Comment: This variant is classified as likely benign based on ACMG/AMP sequence variant interpretation guidelines (Richards et al. 2015 PMID: 25741868, with internal and published modifications).

NM_001375405.1(CEP120):c.1431-12_1431-10dup

Gene: CEP120 (centrosomal protein 120; minus strand). Cytogenetic location: 5q23.2.
Variant type: Duplication.
Coding change: c.1431-12_1431-10dup on transcript NM_001375405.1 (MANE Select); 12 bases into the intron before coding-DNA position 1431 through 10 bases into the intron before coding-DNA position 1431, 3 bases duplicated (TTT; older notation c.1431-12_1431-10dupTTT).
Molecular consequence: intron variant.
Genome position (GRCh38, 1-based): chr5:123,386,677-123,386,679, AAA duplicated on the plus strand (TTT on the coding strand, the reverse complement: CEP120 is on the minus strand); duplicating any 3 consecutive bases within chr5:123,386,677-123,386,698 gives the same sequence; the c. name uses the placement nearest the transcript's 3' end. VCF-style (leftmost placement, unchanged base first): chr5-123386676-T-TAAA. GRCh37 (hg19) VCF-style: chr5-122722370-T-TAAA.
Other names: c.1353-12_1353-10dup (NM_001166226.2); c.1431-12_1431-10dup (NM_153223.4, NM_001375407.1); c.858-12_858-10dup (NM_001375408.1, NM_001375409.1); c.1296-12_1296-10dup (NM_001375406.1).
Identifiers: ClinVar variation 3045073 (VCV003045073.3), dbSNP rs75744800, ClinGen allele CA803137465.
Genomic context (GRCh38, chr5:123,386,676, plus strand): 5'-AGGAGGATTAGTCATAATAGGAGCTGCACTTCCAAAGAATGGATATGAGTACCTAGAATT[T>TAAA]AAAAAAAAAAAAAAAAAAAAAAGCCTTAATGATATGGTTTACAGATGACATTCAGTCTGT-3'